The following is an entry in ClinVar:

NM_053025.4(MYLK):c.3832-9C>T

Gene: MYLK (myosin light chain kinase; minus strand). Cytogenetic location: 3q21.1.
Variant type: single nucleotide variant.
Coding change: c.3832-9C>T on transcript NM_053025.4 (MANE Select); 9 bases into the intron before coding-DNA position 3832, C replaced by T.
Molecular consequence: intron variant.
Genome position (GRCh38, 1-based): chr3:123,664,267, G>A on the plus strand (C>T on the coding strand, the complement: MYLK is on the minus strand). VCF-style: chr3-123664267-G-A. GRCh37 (hg19) VCF-style: chr3-123383114-G-A.
Other names: c.3304-9C>T (NM_001321309.2); c.3625-9C>T (NM_053028.4, NM_053026.4); c.3832-9C>T (NM_053027.4).
Identifiers: ClinVar variation 439941 (VCV000439941.22), dbSNP rs200022087, ClinGen allele CA070327.

ClinVar aggregate classification (germline): Benign/Likely benign. Review status: criteria provided, multiple submitters, no conflicts (2 of 4 stars). 5 submissions from 5 submitters: Benign (1); Likely benign (3). 1 of the submissions does not count toward it. Last evaluated 2025-12-15.

Conditions:
MYLK-related disorder. Also called: MYLK-related condition.
Aortic aneurysm, familial thoracic 7 (AAT7). Also called: AORTIC DISSECTION, FAMILIAL, WITH OR WITHOUT AORTIC ANEURYSM. Identifiers: MedGen C3151077, MONDO:0013418, OMIM 613780.

Allele frequency attached by ClinVar (database versions not stated): gnomAD exomes 0.00005 and 0.00007; ExAC 0.00007; gnomAD 0.00007 and 0.00008; TOPMed 0.00011.
gnomAD v4.1: 78 of 1,614,046 alleles (0.0048%); highest among the groups gnomAD compares: African/African-American, 0.019%; no homozygotes.

Submissions (5):

Labcorp Genetics (formerly Invitae), Labcorp
Classification: Likely benign for Aortic aneurysm, familial thoracic 7. Last evaluated: 2025-12-15. Review status: criteria provided, single submitter. Criteria: Invitae Variant Classification Sherloc (09022015). Collection method: clinical testing. Allele origin: germline.

Women's Health and Genetics/Laboratory Corporation of America, LabCorp
Classification: Benign. Last evaluated: 2023-07-21. Review status: criteria provided, single submitter. Criteria: LabCorp Variant Classification Summary - May 2015. Collection method: clinical testing. Allele origin: germline.

GeneDx
Classification: Likely benign. Last evaluated: 2020-11-04. Review status: criteria provided, single submitter. Criteria: GeneDx Variant Classification Process June 2021. Collection method: clinical testing. Allele origin: germline. Affected: yes.

ARUP Laboratories, Molecular Genetics and Genomics, ARUP Laboratories
Classification: Likely benign. Last evaluated: 2017-02-06. Review status: criteria provided, single submitter. Criteria: ARUP Molecular Germline Variant Investigation Process. Collection method: clinical testing. Allele origin: germline.

PreventionGenetics, part of Exact Sciences
Classification: Likely benign for MYLK-related condition. Last evaluated: 2024-01-12. Review status: no assertion criteria provided. Collection method: clinical testing. Allele origin: germline. Not counted in ClinVar's aggregate classification.
Comment: This variant is classified as likely benign based on ACMG/AMP sequence variant interpretation guidelines (Richards et al. 2015 PMID: 25741868, with internal and published modifications).